The following continues an entry in ClinVar:

NM_000142.5(FGFR3):c.1620C>A (p.Asn540Lys)

Gene: FGFR3. ClinVar aggregate classification (germline): Pathogenic. Pathogenic (33).

Submissions 10 to 21 of 43:

Women's Health and Genetics/Laboratory Corporation of America, LabCorp
Classification: Pathogenic for Achondroplasia. Last evaluated: 2024-09-18. Review status: criteria provided, single submitter. Criteria: LabCorp Variant Classification Summary - May 2015. Collection method: clinical testing. Allele origin: germline.
Comment: Variant summary: FGFR3 c.1620C>A (p.Asn540Lys) results in a non-conservative amino acid change located in the Protein kinase domain (IPR000719) of the encoded protein sequence. Five of five in-silico tools predict a damaging effect of the variant on protein function. The variant was absent in 1613230 control chromosomes. c.1620C>A has been reported in the literature in multiple individuals affected with achondroplasia, segregated with disease in at least one family, and was de novo in at least one affected individual (Bellus_1995, Maddirevula_2018). These data indicate that the variant is very likely to be associated with disease. A different variant resulting in the same amino acid consequence has been classified as pathogenic by our lab (c.1620C>G), supporting the pathogenicity of this variant. The following publications have been ascertained in the context of this evaluation (PMID: 7670477, 29620724). ClinVar contains an entry for this variant (Variation ID: 16337). Based on the evidence outlined above, the variant was classified as pathogenic.

Dasa
Classification: Pathogenic for Hypochondroplasia. Last evaluated: 2024-08-13. Review status: criteria provided, single submitter. Criteria: DASA Assertion Criteria. Collection method: clinical testing. Allele origin: germline. Observed: 1 variant allele.
Comment: NM_000142.5(FGFR3):c.1620C>A (p.Asn540Lys) results in the same amino acid substitution as a well-established pathogenic variant. Functional and clinical evidence supports a gain-of-function mechanism, and this variant is recurrently observed in individuals with skeletal dysplasia phenotypes. Based on the available data, this variant is classified as Pathogenic.

Blueprint Genetics
Classification: Pathogenic for FGFR3-related disorders. Last evaluated: 2024-03-14. Review status: criteria provided, single submitter. Criteria: ACMG Guidelines, 2015. Collection method: clinical testing. Allele origin: de novo. Affected: yes. Observed: 5 variant alleles.

Department of Genetics, Rouen University Hospital, Normandy Center for Genomic and Personalized Medicine
Classification: Pathogenic for Hypochondroplasia. Last evaluated: 2024-02-21. Review status: criteria provided, single submitter. Criteria: ACMG Guidelines, 2015. Collection method: clinical testing. Allele origin: de novo. Affected: yes.

ARUP Laboratories, Molecular Genetics and Genomics, ARUP Laboratories
Classification: Pathogenic. Last evaluated: 2024-01-26. Review status: criteria provided, single submitter. Criteria: ARUP Molecular Germline Variant Investigation Process 2024. Collection method: clinical testing. Allele origin: germline.
Comment: The FGFR3 c.1620C>A; p.Asn540Lys variant (rs28933068; ClinVarID: 16337) is reported in the literature in multiple individuals affected with hypochondroplasia and achondroplasia (Bellus 1995, Deutz-Terlouw 1998, Xue 2014). Together with another variant resulting in the same amino acid change (c.1620C>G; p.Asn540Lys), these account for over 50% of all hypochondroplasia cases (Bellus 2000, Linnankivi 2012, Xue 2014). The asparagine at codon 540 is highly conserved, and functional analyses of the variant protein show significant reductions in protein expression and kinase activity (Krejci 2008, Raffioni 1998). Based on available information, this variant is considered to be pathogenic. References: Bellus GA et al. A recurrent mutation in the tyrosine kinase domain of fibroblast growth factor receptor 3 causes hypochondroplasia. Nat Genet. 1995 Jul;10(3):357-9. Bellus GA et al. Distinct missense mutations of the FGFR3 lys650 codon modulate receptor kinase activation and the severity of the skeletal dysplasia phenotype. Am J Hum Genet. 2000 Dec;67(6):1411-21. Deutz-Terlouw PP et al. Asn540Thr substitution in the fibroblast growth factor receptor 3 tyrosine kinase domain causing hypochondroplasia. Hum Mutat. 1998;Suppl 1:S62-5. Krejci P et al. Analysis of STAT1 activation by six FGFR3 mutants associated with skeletal dysplasia undermines dominant role of STAT1 in FGFR3 signaling in cartilage. PLoS One. 2008;3(12):e3961. Linnankivi T et al. Neuroimaging and neurological findings in patients with hypochondroplasia and FGFR3 N540K mutation. Am J Med Genet A. 2012 Dec;158A(12):3119-25. Raffioni S et al. Effect of transmembrane and kinase domain mutations on fibroblast growth factor receptor 3 chimera signaling in PC12 cells. A model for the control of receptor tyrosine kinase activation. J Biol Chem. 1998 Dec 25;273(52):35250-9. Xue Y et al. FGFR3 mutation frequency in 324 cases from the International Skeletal Dysplasia Registry. Mol Genet Genomic Med. 2014 Nov;2(6):497-503.

Institute of Human Genetics, University of Leipzig Medical Center
Classification: Pathogenic for Hypochondroplasia. Last evaluated: 2024-01-22. Review status: criteria provided, single submitter. Criteria: ACMG Guidelines, 2015. Collection method: clinical testing. Allele origin: unknown. Inheritance: Autosomal dominant inheritance. Affected: yes.
Comment: Criteria applied: PS4,PM5_STR,PS1,PS3_MOD,PM2_SUP,PP3,PM1_SUP

Greenwood Genetic Center Diagnostic Laboratories, Greenwood Genetic Center
Classification: Pathogenic for Hypochondroplasia. Last evaluated: 2023-08-29. Review status: criteria provided, single submitter. Criteria: ACMG Guidelines, 2015. Collection method: clinical testing. Allele origin: germline. Affected: yes.
Comment: PS2, PS4, PM1, PM2, PM3, PP3

Division of Human Genetics, National Health Laboratory Service/University of the Witwatersrand
Classification: Pathogenic for Achondroplasia. Last evaluated: 2023-07-01. Review status: criteria provided, single submitter. Criteria: ACMG Guidelines, 2015. Collection method: research. Allele origin: germline. Affected: yes.

Neuberg Centre For Genomic Medicine, NCGM
Classification: Pathogenic for Hypochondroplasia. Last evaluated: 2023-05-20. Review status: criteria provided, single submitter. Criteria: ACMG Guidelines, 2015. Collection method: clinical testing. Allele origin: germline. Inheritance: Autosomal dominant inheritance. Affected: yes.
Comment: The observed missense c.1620C>A(p.Asn540Lys) variant n FGFR3 gene has been reported previously in heterozygous state in multiple individuals affected with hypochondroplasia (Xue Y, et al., 2014; Linnankivi T, et al., 2012). This variant has also been reported to segregate with disease in related individuals. Functional studies of the variant protein show significant reductions in protein expression, reduced kinase activity, reduced STAT1 phosphorylation and support a damaging effect on the gene or gene product (Krejci P, et al., 2008; Bellus GA, et al., 2000). The p.Asn540Lys variant is absent in gnomAD Exomes. This variant has been submitted to the ClinVar database as Pathogenic (multiple submissions). Multiple lines of computational evidence (Polyphen - Probably damaging, SIFT - Damaging and MutationTaster - Disease causing) predict a damaging effect on protein structure and function for this variant. The amino acid change p.Asn540Lys in FGFR3 is predicted as conserved by GERP++ and PhyloP across 100 vertebrates. The amino acid Asn at position 540 is changed to a Lys changing protein sequence and it might alter its composition and physico-chemical properties. For these reasons, this variant has been classified as Pathogenic.

Clinical Genetics Laboratory, Skane University Hospital Lund
Classification: Pathogenic. Last evaluated: 2023-01-10. Review status: criteria provided, single submitter. Criteria: ACMG Guidelines, 2015. Collection method: clinical testing. Allele origin: germline. Affected: yes.

Dubai Health Genomic Medicine Center, Dubai Health
Classification: Pathogenic. Last evaluated: 2022-12-17. Review status: criteria provided, single submitter. Criteria: ACMG Guidelines, 2015. Collection method: clinical testing. Allele origin: germline. Affected: yes.

Victorian Clinical Genetics Services, Murdoch Childrens Research Institute
Classification: Pathogenic for FGFR3-related chondrodysplasia. Last evaluated: 2022-06-24. Review status: criteria provided, single submitter. Criteria: ACMG Guidelines, 2015. Collection method: clinical testing. Allele origin: germline. Inheritance: Autosomal dominant inheritance. Affected: yes.
Comment: Based on the classification scheme VCGS_Germline_v1.3.4, this variant is classified as Pathogenic. Following criteria are met: 0103 - Gain of function is a known mechanism of disease in this gene and are associated with skeletal dysplasias (MIM#146000, #100800, #187600, #187601; PMID: 17320202). Loss of function and dominant negative mechanisms have been proposed to cause autosomal recessive and dominant CATSHL syndrome, respectively (MIM#610474; PMID: 17033969, 24864036). (I) 0108 - This gene is associated with both recessive and dominant disease. Although predominantly associated with dominant disease, at least one family has been described with autosomal recessive CATSHL syndrome (PMID: 24864036). (I) 0115 - Variants in this gene are known to have variable expressivity. Variants typically associated with achondroplasia have also been reported in individuals with hypochondroplasia (PMID: 25614871). (I) 0200 - Variant is predicted to result in a missense amino acid change from asparagine to lysine. (I) 0251 - This variant is heterozygous. (I) 0301 - Variant is absent from gnomAD (both v2 and v3). (SP) 0309 - Alternative amino acid changes at the same position have been observed in gnomAD (v3; maximum allele count 3 heterozygotes, 0 homozygotes). (I) 0501 - Missense variant consistently predicted to be damaging by multiple in silico tools or highly conserved with a major amino acid change. (SP) 0600 - Variant is located in the annotated Tyrosine Kinase domain (NCBI Conserved domain). (I) 0703 - Other missense variants comparable to the one identified in this case have moderate previous evidence for pathogenicity. Alternative changes to serine and threonine have been reported in families with hypochondroplasia (PMID: 9452043, 12707965). (SP) 0801 - This variant has strong previous evidence of pathogenicity in unrelated individuals. There are multiple submissions in ClinVar classifying this variant as pathogenic and multiple reports of this variant in individuals diagnosed with hypochondroplasia (PMID: 11055896, 16912704). (SP) 0903 - This variant has limited evidence for segregation with disease. One family has been reported where all affected individuals carry this variant (PMID: 7670477). (SP) 1002 - This variant has moderate functional evidence supporting abnormal protein function. This variant results in reduced protein expression and protein function compared to the wild type protein (PMID: 9857065). (SP) Legend: (SP) - Supporting pathogenic, (I) - Information, (SB) - Supporting benign